The following is an entry in ClinVar:

NM_182931.3(KMT2E):c.5221C>A (p.His1741Asn)

Gene: KMT2E (lysine methyltransferase 2E (inactive); plus strand). Cytogenetic location: 7q22.3.
Variant type: single nucleotide variant.
Coding change: c.5221C>A on transcript NM_182931.3 (MANE Select); coding-DNA position 5221, C replaced by A.
Protein change: p.His1741Asn; replaces histidine 1741 with asparagine.
Molecular consequence: missense variant.
Genome position (GRCh38, 1-based): chr7:105,112,977, C>A. VCF-style: chr7-105112977-C-A. GRCh37 (hg19) VCF-style: chr7-104753424-C-A.
Other names: c.5095C>A, p.His1699Asn (NM_001410908.1); c.5221C>A, p.His1741Asn (NM_018682.4); short protein forms H1699N, H1741N.
Identifiers: ClinVar variation 3621294 (VCV003621294.2).
Genomic context (GRCh38, chr7:105,112,977, plus strand): 5'-CCGCCACCTTCCAGTGTTTTGGCTTCTGGGCATCATACCACATCAGCTCAAGCCTTACAC[C>A]ACCCACCTCATCAAGGACCTCCACTTTTTCCTTCGAGTGCTCATCCAACTGTACCACCGT-3'
Protein context (NP_891847.1, residues 1731-1751): HHTTSAQALH[His1741Asn]PPHQGPPLFP

ClinVar aggregate classification (germline): Uncertain significance (1 of 4 stars; one submission).

Submission:

Labcorp Genetics (formerly Invitae), Labcorp
Classification: Uncertain significance. Last evaluated: 2025-02-19. Review status: criteria provided, single submitter. Criteria: Invitae Variant Classification Sherloc (09022015). Collection method: clinical testing. Allele origin: germline.
Comment: This sequence change replaces histidine, which is basic and polar, with asparagine, which is neutral and polar, at codon 1741 of the KMT2E protein (p.His1741Asn). This variant is present in population databases (no rsID available, gnomAD 0.002%). This variant has not been reported in the literature in individuals affected with KMT2E-related conditions. An algorithm developed to predict the effect of missense changes on protein structure and function (PolyPhen-2) suggests that this variant is likely to be tolerated. In summary, the available evidence is currently insufficient to determine the role of this variant in disease. Therefore, it has been classified as a Variant of Uncertain Significance.